The following is an entry in ClinVar:

NM_024675.4(PALB2):c.2657G>A (p.Cys886Tyr)

Gene: PALB2 (partner and localizer of BRCA2; minus strand). Cytogenetic location: 16p12.2.
Variant type: single nucleotide variant.
Coding change: c.2657G>A on transcript NM_024675.4 (MANE Select); coding-DNA position 2657, G replaced by A.
Protein change: p.Cys886Tyr; replaces cysteine 886 with tyrosine.
Molecular consequence: missense variant. On other transcripts: intron variant (3).
Genome position (GRCh38, 1-based): chr16:23,626,327, C>T on the plus strand (G>A on the coding strand, the complement: PALB2 is on the minus strand). VCF-style: chr16-23626327-C-T. GRCh37 (hg19) VCF-style: chr16-23637648-C-T.
Other names: c.2597G>A, p.Cys866Tyr (NM_001407296.1); c.2585G>A, p.Cys862Tyr (NM_001407297.1); c.2657G>A, p.Cys886Tyr (NM_001407299.1, NM_001407300.1, NM_001407301.1); c.1772G>A, p.Cys591Tyr (NM_001407304.1, NM_001407305.1, NM_001407306.1 and 4 more transcripts); c.191G>A, p.Cys64Tyr (NM_001407314.1); c.2587-2233G>A (NM_001407302.1, NM_001407298.1); c.1702-2233G>A (NM_001407307.1); c.869G>A, p.Cys290Tyr (NM_001407312.1, NM_001407313.1); short protein forms C290Y, C862Y, C591Y, C866Y, C64Y, C886Y.
Identifiers: ClinVar variation 4744743 (VCV004744743.1).

ClinVar aggregate classification (germline): Uncertain significance (1 of 4 stars; one submission).

Conditions:
Familial cancer of breast. Also called: BREAST CANCER, FAMILIAL; Hereditary breast cancer; hereditary breast carcinoma. Identifiers: Orphanet 227535, MedGen C0346153, MONDO:0016419, OMIM 114480. Disease mechanism: loss of function.

Submission:

Labcorp Genetics (formerly Invitae), Labcorp
Classification: Uncertain significance for Familial cancer of breast. Last evaluated: 2025-09-03. Review status: criteria provided, single submitter. Criteria: Invitae Variant Classification Sherloc (09022015). Collection method: clinical testing. Allele origin: germline.
Comment: This sequence change replaces cysteine, which is neutral and slightly polar, with tyrosine, which is neutral and polar, at codon 886 of the PALB2 protein (p.Cys886Tyr). This variant is not present in population databases (gnomAD no frequency). This variant has not been reported in the literature in individuals affected with PALB2-related conditions. Invitae Evidence Modeling of protein sequence and biophysical properties (such as structural, functional, and spatial information, amino acid conservation, physicochemical variation, residue mobility, and thermodynamic stability) indicates that this missense variant is expected to disrupt PALB2 protein function with a positive predictive value of 80%. In summary, the available evidence is currently insufficient to determine the role of this variant in disease. Therefore, it has been classified as a Variant of Uncertain Significance.